The following is an entry in ClinVar:

NM_005529.7(HSPG2):c.8902C>T (p.Arg2968Trp)

Gene: HSPG2 (heparan sulfate proteoglycan 2; minus strand). Cytogenetic location: 1p36.12.
Variant type: single nucleotide variant.
Coding change: c.8902C>T on transcript NM_005529.7 (MANE Select); coding-DNA position 8902, C replaced by T.
Protein change: p.Arg2968Trp; replaces arginine 2968 with tryptophan.
Molecular consequence: missense variant.
Genome position (GRCh38, 1-based): chr1:21,842,778, G>A on the plus strand (C>T on the coding strand, the complement: HSPG2 is on the minus strand). VCF-style: chr1-21842778-G-A. GRCh37 (hg19) VCF-style: chr1-22169271-G-A.
Other names: c.8905C>T, p.Arg2969Trp (NM_001291860.2); short protein forms R2968W, R2969W.
Identifiers: ClinVar variation 2728914 (VCV002728914.3), dbSNP rs759625593, ClinGen allele CA670626.
Genomic context (GRCh38, chr1:21,842,778, plus strand): 5'-TGCAGGTCTAACCTTGCCTGACCTGGAATCCTCCCCATCCTGGCCCCTGTACCTGGTGCC[G>A]GGCGGGGAGGCTGCCCCCGCGCTTGTACCACGTGACCTGGGCATGGGCCTGCCCGGGCAC-3'
Protein context (NP_005520.4, residues 2958-2978): WYKRGGSLPA[Arg2968Trp]HQTHGSQLRL

ClinVar aggregate classification (germline): Uncertain significance (1 of 4 stars; one submission).

Allele frequency attached by ClinVar (database versions not stated): ExAC 0.00001; gnomAD 0.00001; TOPMed 0.00001.
gnomAD v4.1: 31 of 1,613,088 alleles (0.0019%); highest among the groups gnomAD compares: East Asian, 0.027%; no homozygotes.

Submission:

Labcorp Genetics (formerly Invitae), Labcorp
Classification: Uncertain significance. Last evaluated: 2023-08-24. Review status: criteria provided, single submitter. Criteria: Invitae Variant Classification Sherloc (09022015). Collection method: clinical testing. Allele origin: germline.
Comment: In summary, the available evidence is currently insufficient to determine the role of this variant in disease. Therefore, it has been classified as a Variant of Uncertain Significance. An algorithm developed to predict the effect of missense changes on protein structure and function (PolyPhen-2) suggests that this variant is likely to be disruptive. This variant has not been reported in the literature in individuals affected with HSPG2-related conditions. This variant is present in population databases (rs759625593, gnomAD 0.006%). This sequence change replaces arginine, which is basic and polar, with tryptophan, which is neutral and slightly polar, at codon 2968 of the HSPG2 protein (p.Arg2968Trp).